The following is an entry in ClinVar:

NM_001077525.3(MTMR14):c.1799G>A (p.Arg600Gln)

Gene: MTMR14 (myotubularin related protein 14; plus strand). Cytogenetic location: 3p25.3.
Variant type: single nucleotide variant.
Coding change: c.1799G>A on transcript NM_001077525.3 (MANE Select); coding-DNA position 1799, G replaced by A.
Protein change: p.Arg600Gln; replaces arginine 600 with glutamine.
Molecular consequence: missense variant.
Genome position (GRCh38, 1-based): chr3:9,701,819, G>A. VCF-style: chr3-9701819-G-A. GRCh37 (hg19) VCF-style: chr3-9743503-G-A.
Other names: c.1463G>A (NM_022485.4); c.1643G>A, p.Arg548Gln (NM_001077526.3); c.1463G>A, p.Arg488Gln (NM_022485.5); short protein forms R600Q, R488Q, R548Q.
Identifiers: ClinVar variation 1418477 (VCV001418477.10), dbSNP rs370811714, ClinGen allele CA2240888.
Genomic context (GRCh38, chr3:9,701,819, plus strand): 5'-GTCTTTGTTCTTTCTCTTGACCTCCCCATAGGCTTGCAGCCCTGAGTGATCGAGAGACTC[G>A]GCTGCAGGAGGTGCGCTCAGCCTTCTTGGCTGCGTACAGCAGCACAGTGGGGCTTCGGGC-3'
Protein context (NP_001070993.1, residues 590-610): LLAALSDRET[Arg600Gln]LQEVRSAFLA

ClinVar aggregate classification (germline): Uncertain significance. Review status: criteria provided, multiple submitters, no conflicts (2 of 4 stars). 2 submissions from 2 submitters: Uncertain significance (2). Last evaluated 2025-02-10.

Allele frequency attached by ClinVar (database versions not stated): gnomAD 0.00005; TOPMed 0.00005; gnomAD exomes 0.00006 and 0.00012; ExAC 0.00008; ESP Exome Variant Server 0.00008.
gnomAD v4.1: 177 of 1,613,718 alleles (0.011%); highest among the groups gnomAD compares: Middle Eastern, 0.31%; 2 homozygotes.

Submissions (2):

Labcorp Genetics (formerly Invitae), Labcorp
Classification: Uncertain significance. Last evaluated: 2025-02-10. Review status: criteria provided, single submitter. Criteria: Invitae Variant Classification Sherloc (09022015). Collection method: clinical testing. Allele origin: germline.
Comment: This sequence change replaces arginine, which is basic and polar, with glutamine, which is neutral and polar, at codon 488 of the MTMR14 protein (p.Arg488Gln). This variant is present in population databases (rs370811714, gnomAD 0.01%). This variant has not been reported in the literature in individuals affected with MTMR14-related conditions. ClinVar contains an entry for this variant (Variation ID: 1418477). An algorithm developed to predict the effect of missense changes on protein structure and function (PolyPhen-2) suggests that this variant is likely to be disruptive. In summary, the available evidence is currently insufficient to determine the role of this variant in disease. Therefore, it has been classified as a Variant of Uncertain Significance.

Ambry Genetics
Classification: Uncertain significance. Last evaluated: 2024-03-28. Review status: criteria provided, single submitter. Criteria: Ambry Variant Classification Scheme 2023. Collection method: clinical testing. Allele origin: germline.